The following is an entry in ClinVar:

ClinVar aggregate classification (germline): Uncertain significance. Review status: criteria provided, multiple submitters, no conflicts (2 of 4 stars). 2 submissions from 2 submitters: Uncertain significance (2). Last evaluated 2025-10-06.

Allele frequency attached by ClinVar (database versions not stated): ExAC below 0.00001; gnomAD exomes 0.00001.
gnomAD v4.1: 7 of 1,521,924 alleles (0.00046%); highest among the groups gnomAD compares: Non-Finnish European, 0.00062%; no homozygotes.

Submissions (2):

Ambry Genetics
Classification: Uncertain significance. Last evaluated: 2025-10-06. Review status: criteria provided, single submitter. Criteria: Ambry Variant Classification Scheme 2023. Collection method: clinical testing. Allele origin: germline.
Comment: The p.N91D variant (also known as c.271A>G), located in coding exon 4 of the FAM175A gene, results from an A to G substitution at nucleotide position 271. The asparagine at codon 91 is replaced by aspartic acid, an amino acid with highly similar properties. This amino acid position is conserved. In addition, this alteration is predicted to be tolerated by in silico analysis. Since supporting evidence is limited at this time, the clinical significance of this alteration remains unclear.

Labcorp Genetics (formerly Invitae), Labcorp
Classification: Uncertain significance. Last evaluated: 2024-12-18. Review status: criteria provided, single submitter. Criteria: Invitae Variant Classification Sherloc (09022015). Collection method: clinical testing. Allele origin: germline.
Comment: This sequence change replaces asparagine, which is neutral and polar, with aspartic acid, which is acidic and polar, at codon 91 of the ABRAXAS1 protein (p.Asn91Asp). The frequency data for this variant in the population databases is considered unreliable, as metrics indicate poor data quality at this position in the gnomAD database. This variant has not been reported in the literature in individuals affected with ABRAXAS1-related conditions. ClinVar contains an entry for this variant (Variation ID: 658852). Invitae Evidence Modeling of protein sequence and biophysical properties (such as structural, functional, and spatial information, amino acid conservation, physicochemical variation, residue mobility, and thermodynamic stability) indicates that this missense variant is not expected to disrupt ABRAXAS1 protein function with a negative predictive value of 80%. In summary, the available evidence is currently insufficient to determine the role of this variant in disease. Therefore, it has been classified as a Variant of Uncertain Significance.

NM_139076.3(ABRAXAS1):c.271A>G (p.Asn91Asp)

Gene: ABRAXAS1 (abraxas 1, BRCA1 A complex subunit; minus strand). Cytogenetic location: 4q21.23.
Variant type: single nucleotide variant.
Coding change: c.271A>G on transcript NM_139076.3 (MANE Select); coding-DNA position 271, A replaced by G.
Protein change: p.Asn91Asp; replaces asparagine 91 with aspartic acid.
Molecular consequence: missense variant. On other transcripts: intron variant (1).
Genome position (GRCh38, 1-based): chr4:83,472,233, T>C on the plus strand (A>G on the coding strand, the complement: ABRAXAS1 is on the minus strand). VCF-style: chr4-83472233-T-C. GRCh37 (hg19) VCF-style: chr4-84393386-T-C.
Other names: c.-45-1837A>G (NM_001345962.2); short protein forms N91D.
Identifiers: ClinVar variation 658852 (VCV000658852.12), dbSNP rs750097709, ClinGen allele CA2990593.